The following is an entry in ClinVar:

ClinVar aggregate classification (germline): Uncertain significance (1 of 4 stars; one submission).

gnomAD v4.1: 2 of 1,612,784 alleles (0.00012%); highest among the groups gnomAD compares: Admixed American, 0.0017%; no homozygotes.

Submission:

GeneDx
Classification: Uncertain significance. Last evaluated: 2025-03-06. Review status: criteria provided, single submitter. Criteria: GeneDx Variant Classification Process June 2021. Collection method: clinical testing. Allele origin: germline. Affected: yes.
Comment: In silico analysis supports that this missense variant has a deleterious effect on protein structure/function; Has not been previously published as pathogenic or benign to our knowledge

NM_024514.5(CYP2R1):c.1342T>C (p.Cys448Arg)

Genes: CYP2R1 (cytochrome P450 family 2 subfamily R member 1; minus strand), PDE3B (phosphodiesterase 3B; plus strand). Cytogenetic location: 11p15.2.
Variant type: single nucleotide variant.
Coding change: c.1342T>C on transcript NM_024514.5 (MANE Select); coding-DNA position 1342, T replaced by C.
Protein change: p.Cys448Arg; replaces cysteine 448 with arginine.
Molecular consequence: missense variant. On other transcripts: non-coding transcript variant (12), intron variant (2).
Genome position (GRCh38, 1-based): chr11:14,878,286, A>G on the plus strand (T>C on the coding strand, the complement: CYP2R1 is on the minus strand). VCF-style: chr11-14878286-A-G. GRCh37 (hg19) VCF-style: chr11-14899832-A-G.
Other names: c.2886+16920A>G (NM_001429700.1, NM_001429699.1); c.997T>C, p.Cys333Arg (NM_001377214.1, NM_001377215.1, NM_001377216.1 and 5 more transcripts); c.1180T>C, p.Cys394Arg (NM_001377217.1); c.643T>C, p.Cys215Arg (NM_001400562.1, NM_001400563.1, NM_001400564.1 and 1 more transcripts); c.364T>C, p.Cys122Arg (NM_001400566.1); c.1198T>C, p.Cys400Arg (NM_001400567.1); c.1297T>C, p.Cys433Arg (NM_001400568.1); short protein forms C333R, C394R, C400R, C433R, C448R, C122R, C215R.
Identifiers: ClinVar variation 4083462 (VCV004083462.1).
Genomic context (GRCh38, chr11:14,878,286, plus strand): 5'-TCTGAAGCAATGCTGTAAAAAACAAGAACATTTCCATCCGAGCCAAGTGTTCTCCAAGAC[A>G]ATGTCTTCTTCCTAAACAGAAAAAGCAGATACAATAATTTTTTAAACCCACAATCTTTAC-3'
Protein context (NP_078790.2, residues 438-458): LVPFSLGRRH[Cys448Arg]LGEHLARMEM